The following is an entry in ClinVar:

NM_001844.5(COL2A1):c.2104G>C (p.Gly702Arg)

Gene: COL2A1 (collagen type II alpha 1 chain; minus strand). Cytogenetic location: 12q13.11.
Variant type: single nucleotide variant.
Coding change: c.2104G>C on transcript NM_001844.5 (MANE Select); coding-DNA position 2104, G replaced by C.
Protein change: p.Gly702Arg; replaces glycine 702 with arginine.
Molecular consequence: missense variant.
Genome position (GRCh38, 1-based): chr12:47,982,937, C>G on the plus strand (G>C on the coding strand, the complement: COL2A1 is on the minus strand). VCF-style: chr12-47982937-C-G. GRCh37 (hg19) VCF-style: chr12-48376720-C-G.
Other names: c.1897G>C, p.Gly633Arg (NM_033150.3); short protein forms G633R, G702R.
Identifiers: ClinVar variation 4888355 (VCV004888355.2).
Genomic context (GRCh38, chr12:47,982,937, plus strand): 5'-GGAGGCCACGGGGACCCTGGAGGCCCTGGGCACCGGGAGAGCCACGTTCACCTGGGAAAC[C>G]TCGTTCACCCTGCGGCAGAGACACCAAGAAGTGATCAACCAACAGCAGTGGGGGAGAAGG-3'
Protein context (NP_001835.3, residues 692-712): PGLVGPRGER[Gly702Arg]FPGERGSPGA

ClinVar aggregate classification (germline): Likely pathogenic. Review status: criteria provided, multiple submitters, no conflicts (2 of 4 stars). 2 submissions from 2 submitters: Likely pathogenic (2). Last evaluated 2023-11-21.

Conditions:
COL2A1-related disorder. Also called: COL2A1-related condition; COL2A1-related disorders.
Achondrogenesis type II (ACG2). Also called: ACHONDROGENESIS, LANGER-SALDINO TYPE; CHONDROGENESIS IMPERFECTA. Identifiers: Orphanet 932, Orphanet 93296, MedGen C0220685, MONDO:0008702, OMIM 200610.

Submissions (2):

New York Genome Center
Classification: Likely pathogenic for Achondrogenesis type II. Last evaluated: 2023-11-21. Review status: criteria provided, single submitter. Criteria: NYGC Assertion Criteria 2020. Collection method: clinical testing. Allele origin: de novo. Affected: yes. Observed: 1 variant allele, 1 heterozygote.
Comment: The de novo heterozygous c.2104G>C p.(Gly702Arg) variant identified in COL2A1 has not previously been reported in the literature or in ClinVar,and is absent from population databases (gnomADv4), suggesting it is not a common benign variant in the populations represented in those databases. The c.2104G>C is located in exon 33 of this 54-exon gene and predicted to replace a highly conserved glycine amino acid at position 702 with arginine [p.(Gly702Arg)] and disrupt a Gly-X-Y repeat within the triple helical domain of the encoded protein. In silico predictions are in favor of damaging effect for the p.(Gly702Arg) variant [REVEL = 0.996]; however, there are no functional studies to support or refute these predictions. Based on available evidence this heterozygous de novo c.2104G>C p.(Gly702Arg) variant identified in COL2A1 s classified as Likely Pathogenic.

Blueprint Genetics
Classification: Likely pathogenic for COL2A1-related disorders. Last evaluated: 2018-01-06. Review status: criteria provided, single submitter. Criteria: ACMG Guidelines, 2015. Collection method: clinical testing. Allele origin: germline. Affected: yes. Observed: 1 variant allele.